The following is an entry in ClinVar:

ClinVar aggregate classification (germline): Pathogenic/Likely pathogenic. Review status: criteria provided, multiple submitters, no conflicts (2 of 4 stars). 3 submissions from 3 submitters: Pathogenic (1); Likely pathogenic (1). 1 of the submissions does not count toward it. Last evaluated 2025-10-29.

Conditions:
Anauxetic dysplasia. Identifiers: Orphanet 93347, MedGen C1846796, MONDO:0011773.
Anauxetic dysplasia 1 (ANXD1). Also called: Anauxetic Dysplasia (AD). Identifiers: Orphanet 93347, MedGen C4551965, MONDO:0054560, OMIM 607095.
Metaphyseal dysplasia without hypotrichosis. Also called: Metaphyseal Dysplasia without Hypotrichosis (MDWH); CARTILAGE-HAIR HYPOPLASIA VARIANT, SKELETAL MANIFESTATIONS ONLY; CARTILAGE-HAIR HYPOPLASIA-LIKE SKELETAL DYSPLASIA WITHOUT HYPOTRICHOSIS OR IMMUNODEFICIENCY. Identifiers: MedGen C1834821, MONDO:0009601, OMIM 250460.
Metaphyseal chondrodysplasia, McKusick type (CHH). Also called: Cartilage-hair hypoplasia; Cartilage-Hair Hypoplasia (CHH). Identifiers: Orphanet 175, MedGen C0220748, MONDO:0009595, OMIM 250250.

Submissions (3):

Labcorp Genetics (formerly Invitae), Labcorp
Classification: Pathogenic for Anauxetic dysplasia. Last evaluated: 2025-10-29. Review status: criteria provided, single submitter. Criteria: Invitae Variant Classification Sherloc (09022015). Collection method: clinical testing. Allele origin: germline.
Comment: This variant occurs in the RMRP gene, which encodes an RNA molecule that does not result in a protein product. This variant is not present in population databases (gnomAD no frequency). This variant has been observed in individuals with cartilage-hair hypoplasia (PMID: 11940090). Other insertions and duplications immediately upstream of the coding sequence have been reported in individuals affected with cartilage-hair hypoplasia-anauxetic dysplasia (CHH-AD) spectrum disorders (PMID: 16244706, 11207361, 12107819). This variant is also known as dupAAGCTGAGGACG at -2. ClinVar contains an entry for this variant (Variation ID: 551168). While functional studies for this variant have not been reported, experimental analyses using patient derived cells, as well as in vitro transfection studies, have shown that promoter insertions result in silencing of RMRP transcription and reduced expression of the gene product (PMID: 11207361, 16254002). For these reasons, this variant has been classified as Pathogenic.

Fulgent Genetics
Classification: Likely pathogenic for Metaphyseal chondrodysplasia, McKusick type; Metaphyseal dysplasia without hypotrichosis; Anauxetic dysplasia 1. Last evaluated: 2022-04-12. Review status: criteria provided, single submitter. Criteria: ACMG Guidelines, 2015. Collection method: clinical testing. Allele origin: unknown.

Counsyl
Classification: Likely pathogenic for Metaphyseal chondrodysplasia, McKusick type. Last evaluated: 2017-03-17. Review status: no assertion criteria provided. Collection method: clinical testing. Allele origin: unknown. Not counted in ClinVar's aggregate classification.

Literature cited by the submitters: PubMed 11940090 (cited by Labcorp Genetics (formerly Invitae), Labcorp and Counsyl); PubMed 16244706 (cited by Labcorp Genetics (formerly Invitae), Labcorp); PubMed 11207361 (cited by Labcorp Genetics (formerly Invitae), Labcorp); PubMed 12107819 (cited by Labcorp Genetics (formerly Invitae), Labcorp); PubMed 16254002 (cited by Labcorp Genetics (formerly Invitae), Labcorp).

NR_003051.3(RMRP):n.-13_-2dup

Gene: RMRP (RNA component of mitochondrial RNA processing endoribonuclease; minus strand). Cytogenetic location: 9p13.3.
Variant type: Duplication.
Genome position: GRCh38 VCF-style: chr9-35658019-A-ACGTCCTCAGCTT. GRCh37 (hg19) VCF-style: chr9-35658016-A-ACGTCCTCAGCTT.
Identifiers: ClinVar variation 551168 (VCV000551168.10), dbSNP rs1554651400, ClinGen allele CA658821594.